The following is an entry in ClinVar:

NM_017780.4(CHD7):c.5381T>C (p.Leu1794Pro)

Gene: CHD7 (chromodomain helicase DNA binding protein 7; plus strand). Cytogenetic location: 8q12.2.
Variant type: single nucleotide variant.
Coding change: c.5381T>C on transcript NM_017780.4 (MANE Select); coding-DNA position 5381, T replaced by C.
Protein change: p.Leu1794Pro; replaces leucine 1794 with proline.
Molecular consequence: missense variant. On other transcripts: intron variant (1).
Genome position (GRCh38, 1-based): chr8:60,849,131, T>C. VCF-style: chr8-60849131-T-C. GRCh37 (hg19) VCF-style: chr8-61761690-T-C.
Other names: c.5381T>C (LRG_176t1); c.1717-13098T>C (NM_001316690.1); short protein forms L1794P.
Identifiers: ClinVar variation 422695 (VCV000422695.3), dbSNP rs1064795943, ClinGen allele CA16618673.
Genomic context (GRCh38, chr8:60,849,131, plus strand): 5'-CTGAACCTTTCCATGCTGAAGTTCCTGCAGATTGGTGGGATAAGGAAGCAGACAAATCCC[T>C]CTTAATTGGAGTGTTCAAACATGGTAAGTGACGTTTCTGTTTGAATACATCTCAACTGTA-3'
Protein context (NP_060250.2, residues 1784-1804): DWWDKEADKS[Leu1794Pro]LIGVFKHGYE

ClinVar aggregate classification (germline): Conflicting classifications of pathogenicity. Review status: criteria provided, conflicting classifications (1 of 4 stars). 2 submissions from 2 submitters: Likely pathogenic (1); Uncertain significance (1). Last evaluated 2023-01-26.

Conditions:
CHARGE syndrome (CHARGE). Also called: Hittner Hirsch Kreh syndrome; CHARGE ASSOCIATION--COLOBOMA, HEART ANOMALY, CHOANAL ATRESIA, RETARDATION, GENITAL AND EAR ANOMALIES; Coloboma, heart anomaly, choanal atresia, retardation, genital and ear anomalies; CHARGE association; Hall-Hittner syndrome. Identifiers: Orphanet 138, MedGen C0265354, MONDO:0008965.

Submissions (2):

Institute of Human Genetics Munich, TUM University Hospital
Classification: Likely pathogenic for CHD7-related CHARGE syndrome. Last evaluated: 2023-01-26. Review status: criteria provided, single submitter. Criteria: Classification criteria August 2017. Collection method: clinical testing. Allele origin: de novo. Inheritance: Autosomal dominant inheritance. Affected: yes. Observed: 1 variant allele.

GeneDx
Classification: Uncertain significance. Last evaluated: 2016-11-28. Review status: criteria provided, single submitter. Criteria: GeneDx Variant Classification (06012015). Collection method: clinical testing. Allele origin: germline. Affected: yes.
Comment: The L1794P variant in the CHD7 gene has not been reported previously as a pathogenic variant, nor as a benignvariant, to our knowledge. The L1794P variant was not observed in approximately 6000 individuals of European andAfrican American ancestry in the NHLBI Exome Sequencing Project, indicating it is not a common benign variant inthese populations. The L1794P variant is a semi-conservative amino acid substitution, which may impact secondaryprotein structure as these residues differ in some properties. This substitution occurs at a position that is conservedacross species and in silico analysis predicts this variant is probably damaging to the protein structure/function. Amissense variant in a nearby residue (G1797V) has been reported in the Human Gene Mutation Database inassociation with CHARGE syndrome (Stenson et al., 2014), supporting the functional importance of this region ofthe protein. We interpret L1794P as a variant of uncertain significance.